The following is an entry in ClinVar:

ClinVar aggregate classification (germline): Uncertain significance. Review status: criteria provided, multiple submitters, no conflicts (2 of 4 stars). 3 submissions from 3 submitters: Uncertain significance (3). Last evaluated 2025-10-18.

Allele frequency attached by ClinVar (database versions not stated): TOPMed 0.00001; gnomAD 0.00003 and 0.00005; gnomAD exomes 0.00004 and 0.00011; ExAC 0.00009; 1000 Genomes Project 30x 0.00016; 1000 Genomes Project 0.00020.
gnomAD v4.1: 60 of 1,614,212 alleles (0.0037%); highest among the groups gnomAD compares: South Asian, 0.053%; no homozygotes.

Submissions (3):

Ambry Genetics
Classification: Uncertain significance. Last evaluated: 2025-10-18. Review status: criteria provided, single submitter. Criteria: Ambry Variant Classification Scheme 2023. Collection method: clinical testing. Allele origin: germline.

CeGaT Center for Human Genetics Tuebingen
Classification: Uncertain significance. Last evaluated: 2024-10-01. Review status: criteria provided, single submitter. Criteria: CeGaT Center For Human Genetics Tuebingen Variant Classification Criteria Version 2. Collection method: clinical testing. Allele origin: germline. Affected: yes. Observed: 1 variant allele.
Comment: KATNIP: PM2, BP4

Labcorp Genetics (formerly Invitae), Labcorp
Classification: Uncertain significance. Last evaluated: 2022-07-06. Review status: criteria provided, single submitter. Criteria: Invitae Variant Classification Sherloc (09022015). Collection method: clinical testing. Allele origin: germline.
Comment: This sequence change replaces glycine, which is neutral and non-polar, with serine, which is neutral and polar, at codon 768 of the KIAA0556 protein (p.Gly768Ser). This variant is present in population databases (rs545529450, gnomAD 0.08%). This variant has not been reported in the literature in individuals affected with KIAA0556-related conditions. ClinVar contains an entry for this variant (Variation ID: 1682057). Algorithms developed to predict the effect of missense changes on protein structure and function output the following: SIFT: "Tolerated"; PolyPhen-2: "Benign"; Align-GVGD: "Class C0". The serine amino acid residue is found in multiple mammalian species, which suggests that this missense change does not adversely affect protein function. In summary, the available evidence is currently insufficient to determine the role of this variant in disease. Therefore, it has been classified as a Variant of Uncertain Significance.

NM_015202.5(KATNIP):c.2302G>A (p.Gly768Ser)

Gene: KATNIP (katanin interacting protein; plus strand). Cytogenetic location: 16p12.1.
Variant type: single nucleotide variant.
Coding change: c.2302G>A on transcript NM_015202.5 (MANE Select); coding-DNA position 2302, G replaced by A.
Protein change: p.Gly768Ser; replaces glycine 768 with serine.
Molecular consequence: missense variant.
Genome position (GRCh38, 1-based): chr16:27,740,599, G>A. VCF-style: chr16-27740599-G-A. GRCh37 (hg19) VCF-style: chr16-27751920-G-A.
Other names: c.2302G>A (NM_015202.2); short protein forms G768S.
Identifiers: ClinVar variation 1682057 (VCV001682057.17), dbSNP rs545529450, ClinGen allele CA7977939.